The following is an entry in ClinVar:

ClinVar aggregate classification (germline): Uncertain significance. Review status: criteria provided, multiple submitters, no conflicts (2 of 4 stars). 2 submissions from 2 submitters: Uncertain significance (2). Last evaluated 2024-02-20.

Conditions:
Sponastrime dysplasia. Also called: SPONDYLAR AND NASAL ALTERATIONS WITH STRIATED METAPHYSES. Identifiers: Orphanet 93357, MedGen C1300260, MONDO:0010068, OMIM 271510.

Allele frequency attached by ClinVar (database versions not stated): gnomAD exomes 0.00001; gnomAD 0.00006; TOPMed 0.00006; 1000 Genomes Project 30x 0.00016.
gnomAD v4.1: 26 of 1,457,150 alleles (0.0018%); highest among the groups gnomAD compares: Middle Eastern, 0.045%; no homozygotes.

Submissions (2):

Fulgent Genetics
Classification: Uncertain significance for Sponastrime dysplasia. Last evaluated: 2024-02-20. Review status: criteria provided, single submitter. Criteria: ACMG Guidelines, 2015. Collection method: clinical testing. Allele origin: germline.

Labcorp Genetics (formerly Invitae), Labcorp
Classification: Uncertain significance. Last evaluated: 2021-08-26. Review status: criteria provided, single submitter. Criteria: Invitae Variant Classification Sherloc (09022015). Collection method: clinical testing. Allele origin: germline.
Comment: This sequence change replaces arginine with tryptophan at codon 23 of the TONSL protein (p.Arg23Trp). The arginine residue is weakly conserved and there is a moderate physicochemical difference between arginine and tryptophan. The frequency data for this variant in the population databases is considered unreliable, as metrics indicate insufficient coverage at this position in the ExAC database. This variant has not been reported in the literature in individuals affected with TONSL-related conditions. Algorithms developed to predict the effect of missense changes on protein structure and function are either unavailable or do not agree on the potential impact of this missense change (SIFT: "Deleterious"; PolyPhen-2: "Benign"; Align-GVGD: "Class C0"). In summary, the available evidence is currently insufficient to determine the role of this variant in disease. Therefore, it has been classified as a Variant of Uncertain Significance.

NM_013432.5(TONSL):c.67C>T (p.Arg23Trp)

Genes: TONSL (tonsoku like, DNA repair protein; minus strand), LOC130001399 (ATAC-STARR-seq lymphoblastoid silent region 19685; plus strand). Cytogenetic location: 8q24.3.
Variant type: single nucleotide variant.
Coding change: c.67C>T on transcript NM_013432.5 (MANE Select); coding-DNA position 67, C replaced by T.
Protein change: p.Arg23Trp; replaces arginine 23 with tryptophan.
Molecular consequence: missense variant.
Genome position (GRCh38, 1-based): chr8:144,444,234, G>A on the plus strand (C>T on the coding strand, the complement: TONSL is on the minus strand). VCF-style: chr8-144444234-G-A. GRCh37 (hg19) VCF-style: chr8-145669617-G-A.
Other names: short protein forms R23W.
Identifiers: ClinVar variation 1417492 (VCV001417492.7), dbSNP rs932007659, ClinGen allele CA187678678.